The following is an entry in ClinVar:

ClinVar aggregate classification (germline): Uncertain significance (1 of 4 stars; one submission).

Conditions:
CHARGE syndrome (CHARGE). Also called: Hittner Hirsch Kreh syndrome; CHARGE ASSOCIATION--COLOBOMA, HEART ANOMALY, CHOANAL ATRESIA, RETARDATION, GENITAL AND EAR ANOMALIES; Coloboma, heart anomaly, choanal atresia, retardation, genital and ear anomalies; CHARGE association; Hall-Hittner syndrome. Identifiers: Orphanet 138, MedGen C0265354, MONDO:0008965.

Submission:

Labcorp Genetics (formerly Invitae), Labcorp
Classification: Uncertain significance for CHARGE syndrome. Last evaluated: 2024-12-31. Review status: criteria provided, single submitter. Criteria: Invitae Variant Classification Sherloc (09022015). Collection method: clinical testing. Allele origin: germline.
Comment: This sequence change replaces histidine, which is basic and polar, with tyrosine, which is neutral and polar, at codon 2115 of the CHD7 protein (p.His2115Tyr). This variant is not present in population databases (gnomAD no frequency). This variant has not been reported in the literature in individuals affected with CHD7-related conditions. Invitae Evidence Modeling of protein sequence and biophysical properties (such as structural, functional, and spatial information, amino acid conservation, physicochemical variation, residue mobility, and thermodynamic stability) indicates that this missense variant is not expected to disrupt CHD7 protein function with a negative predictive value of 95%. In summary, the available evidence is currently insufficient to determine the role of this variant in disease. Therefore, it has been classified as a Variant of Uncertain Significance.

NM_017780.4(CHD7):c.6343C>T (p.His2115Tyr)

Gene: CHD7 (chromodomain helicase DNA binding protein 7; plus strand). Cytogenetic location: 8q12.2.
Variant type: single nucleotide variant.
Coding change: c.6343C>T on transcript NM_017780.4 (MANE Select); coding-DNA position 6343, C replaced by T.
Protein change: p.His2115Tyr; replaces histidine 2115 with tyrosine.
Molecular consequence: missense variant. On other transcripts: intron variant (1).
Genome position (GRCh38, 1-based): chr8:60,853,068, C>T. VCF-style: chr8-60853068-C-T. GRCh37 (hg19) VCF-style: chr8-61765627-C-T.
Other names: c.1717-9161C>T (NM_001316690.1); short protein forms H2115Y.
Identifiers: ClinVar variation 3717545 (VCV003717545.2).